The following is an entry in ClinVar:

ClinVar aggregate classification (germline): Uncertain significance (1 of 4 stars; one submission).

Conditions:
Myasthenic syndrome, congenital, 22 (CMS22). Also called: PREPL DEFICIENCY. Identifiers: MedGen C4479088, MONDO:0044299, OMIM 616224.

Allele frequency attached by ClinVar (database versions not stated): TOPMed 0.00001.
gnomAD v4.1: 3 of 1,589,012 alleles (0.00019%); highest among the groups gnomAD compares: Admixed American, 0.0051%; no homozygotes.

Submission:

Labcorp Genetics (formerly Invitae), Labcorp
Classification: Uncertain significance for Myasthenic syndrome, congenital, 22. Last evaluated: 2022-08-13. Review status: criteria provided, single submitter. Criteria: Invitae Variant Classification Sherloc (09022015). Collection method: clinical testing. Allele origin: germline.
Comment: This variant is present in population databases (rs780145490, gnomAD 0.006%). This sequence change replaces aspartic acid, which is acidic and polar, with tyrosine, which is neutral and polar, at codon 452 of the PREPL protein (p.Asp452Tyr). In summary, the available evidence is currently insufficient to determine the role of this variant in disease. Therefore, it has been classified as a Variant of Uncertain Significance. Algorithms developed to predict the effect of missense changes on protein structure and function (SIFT, PolyPhen-2, Align-GVGD) all suggest that this variant is likely to be disruptive. This variant has not been reported in the literature in individuals affected with PREPL-related conditions.

NM_001171613.2(PREPL):c.1087G>T (p.Asp363Tyr)

Gene: PREPL (prolyl endopeptidase like; minus strand). Cytogenetic location: 2p21.
Variant type: single nucleotide variant.
Coding change: c.1087G>T on transcript NM_001171613.2 (MANE Select); coding-DNA position 1087, G replaced by T.
Protein change: p.Asp363Tyr; replaces aspartic acid 363 with tyrosine.
Molecular consequence: missense variant.
Genome position (GRCh38, 1-based): chr2:44,329,112, C>A on the plus strand (G>T on the coding strand, the complement: PREPL is on the minus strand). VCF-style: chr2-44329112-C-A. GRCh37 (hg19) VCF-style: chr2-44556251-C-A.
Other names: c.1168G>T, p.Asp390Tyr (NM_001042385.2); c.1156G>T, p.Asp386Tyr (NM_001042386.2); c.1354G>T, p.Asp452Tyr (NM_001171603.1, NM_001171606.2, NM_001374275.1 and 2 more transcripts); c.1087G>T, p.Asp363Tyr (NM_001171617.1, NM_001374277.1); short protein forms D363Y, D386Y, D452Y, D390Y.
Identifiers: ClinVar variation 1988217 (VCV001988217.4), dbSNP rs780145490, ClinGen allele CA1641231.
Genomic context (GRCh38, chr2:44,329,112, plus strand): 5'-TCTTCTGCAAGTCCTCAGAGTCAGTTTTGTGGAAAACAGTCATTGGCACTAATTTTCCAT[C>A]CTAGAAATGAAGAATTACTATGTATGTAAAGAAGAGTCTTTTATAATAACTGTTTTATCC-3'
Protein context (NP_001165084.1, residues 353-373): RVLRLEAKSK[Asp363Tyr]GKLVPMTVFH